The following is an entry in ClinVar:

ClinVar aggregate classification (germline): Likely pathogenic. Review status: criteria provided, multiple submitters, no conflicts (2 of 4 stars). 2 submissions from 2 submitters: Likely pathogenic (2). Last evaluated 2023-07-26.

Conditions:
Sulfite oxidase deficiency due to molybdenum cofactor deficiency type A. Also called: Molybdenum Cofactor Deficiency A; Molybdenum cofactor deficiency, complementation group A. Identifiers: Orphanet 308386, Orphanet 833, MedGen C1854988, MONDO:0009643, OMIM 252150.

Submissions (2):

Baylor Genetics
Classification: Likely pathogenic for Sulfite oxidase deficiency due to molybdenum cofactor deficiency type A. Last evaluated: 2023-07-26. Review status: criteria provided, single submitter. Criteria: ACMG Guidelines, 2015. Collection method: clinical testing. Allele origin: unknown.

Labcorp Genetics (formerly Invitae), Labcorp
Classification: Likely pathogenic for Sulfite oxidase deficiency due to molybdenum cofactor deficiency type A. Last evaluated: 2023-05-22. Review status: criteria provided, single submitter. Criteria: Invitae Variant Classification Sherloc (09022015). Collection method: clinical testing. Allele origin: germline.
Comment: This variant has not been reported in the literature in individuals affected with MOCS1-related conditions. In summary, the currently available evidence indicates that the variant is pathogenic, but additional data are needed to prove that conclusively. Therefore, this variant has been classified as Likely Pathogenic. This variant is not present in population databases (gnomAD no frequency). This sequence change affects an acceptor splice site in intron 7 of the MOCS1 gene. It is expected to disrupt RNA splicing. Variants that disrupt the donor or acceptor splice site typically lead to a loss of protein function (PMID: 16199547), and loss-of-function variants in MOCS1 are known to be pathogenic (PMID: 12754701, 16021469).

Literature cited by the submitters: PubMed 16199547 (cited by Labcorp Genetics (formerly Invitae), Labcorp); PubMed 12754701 (cited by Labcorp Genetics (formerly Invitae), Labcorp); PubMed 16021469 (cited by Labcorp Genetics (formerly Invitae), Labcorp).

NM_001358530.2(MOCS1):c.871-1G>A

Gene: MOCS1 (molybdenum cofactor synthesis 1; minus strand). Cytogenetic location: 6p21.2.
Variant type: single nucleotide variant.
Coding change: c.871-1G>A on transcript NM_001358530.2 (MANE Select); the canonical splice acceptor site of the intron before coding-DNA position 871, G replaced by A.
Molecular consequence: splice acceptor variant.
Genome position (GRCh38, 1-based): chr6:39,912,375, C>T on the plus strand (G>A on the coding strand, the complement: MOCS1 is on the minus strand). VCF-style: chr6-39912375-C-T. GRCh37 (hg19) VCF-style: chr6-39880119-C-T.
Other names: c.610-1G>A (NM_001358531.2, NM_001358533.2, NM_001358534.2); c.871-1G>A (NM_001358529.2, NM_001075098.4, NM_005943.6).
Identifiers: ClinVar variation 2676646 (VCV002676646.4), dbSNP rs2482303357, ClinGen allele CA364043299.